The following is an entry in ClinVar:

ClinVar aggregate classification (germline): Uncertain significance. Review status: criteria provided, multiple submitters, no conflicts (2 of 4 stars). 2 submissions from 2 submitters: Uncertain significance (2). Last evaluated 2024-10-17.

Conditions:
DENND4B-related disorder. Also called: DENND4B-related condition.

Allele frequency attached by ClinVar (database versions not stated): gnomAD exomes 0.00002; ExAC 0.00006; gnomAD 0.00006; TOPMed 0.00006; ESP Exome Variant Server 0.00008.
gnomAD v4.1: 43 of 1,611,764 alleles (0.0027%); highest among the groups gnomAD compares: Admixed American, 0.04%; no homozygotes.

Submissions (2):

PreventionGenetics, part of Exact Sciences
Classification: Uncertain significance for DENND4B-related condition. Last evaluated: 2024-10-17. Review status: criteria provided, single submitter. Criteria: ACMG Guidelines, 2015. Collection method: clinical testing. Allele origin: germline.
Comment: The DENND4B c.1040G>A variant is predicted to result in the amino acid substitution p.Arg347His. To our knowledge, this variant has not been reported in the literature. This variant is reported in 0.034% of alleles in individuals of Latino descent in gnomAD. At this time, the clinical significance of this variant is uncertain due to the absence of conclusive functional and genetic evidence.

Ambry Genetics
Classification: Uncertain significance. Last evaluated: 2022-11-21. Review status: criteria provided, single submitter. Criteria: Ambry Variant Classification Scheme 2023. Collection method: clinical testing. Allele origin: germline.

NM_014856.3(DENND4B):c.1040G>A (p.Arg347His)

Gene: DENND4B (DENN domain containing 4B; minus strand). Cytogenetic location: 1q21.3.
Variant type: single nucleotide variant.
Coding change: c.1040G>A on transcript NM_014856.3 (MANE Select); coding-DNA position 1040, G replaced by A.
Protein change: p.Arg347His; replaces arginine 347 with histidine.
Molecular consequence: missense variant.
Genome position (GRCh38, 1-based): chr1:153,941,884, C>T on the plus strand (G>A on the coding strand, the complement: DENND4B is on the minus strand). VCF-style: chr1-153941884-C-T. GRCh37 (hg19) VCF-style: chr1-153914360-C-T.
Other names: c.1073G>A, p.Arg358His (NM_001367466.1); short protein forms R358H, R347H.
Identifiers: ClinVar variation 2373200 (VCV002373200.3), dbSNP rs375027053, ClinGen allele CA1121828.